The following is an entry in ClinVar:

ClinVar aggregate classification (germline): Benign/Likely benign. Review status: criteria provided, multiple submitters, no conflicts (2 of 4 stars). 4 submissions from 4 submitters: Benign (2); Likely benign (2). Last evaluated 2026-01-26.

Allele frequency attached by ClinVar (database versions not stated): ESP Exome Variant Server 0.00898; TOPMed 0.00932; 1000 Genomes Project 0.01198; 1000 Genomes Project 30x 0.01234; gnomAD exomes 0.00081 and 0.00178; ExAC 0.00326; gnomAD 0.00851 and 0.00895.
gnomAD v4.1: 2,467 of 1,535,860 alleles (0.16%); highest among the groups gnomAD compares: African/African-American, 2.9%; 34 homozygotes.

Submissions (4):

Labcorp Genetics (formerly Invitae), Labcorp
Classification: Benign. Last evaluated: 2026-01-26. Review status: criteria provided, single submitter. Criteria: Invitae Variant Classification Sherloc (09022015). Collection method: clinical testing. Allele origin: germline.

Mayo Clinic Laboratories, Mayo Clinic
Classification: Likely benign. Last evaluated: 2025-11-13. Review status: criteria provided, single submitter. Criteria: ACMG Guidelines, 2015. Collection method: clinical testing. Allele origin: germline. Observed: 29 variant alleles.
Comment: BS1, BS2

ARUP Laboratories, Molecular Genetics and Genomics, ARUP Laboratories
Classification: Benign. Last evaluated: 2025-07-01. Review status: criteria provided, single submitter. Criteria: ARUP Molecular Germline Variant Investigation Process 2024. Collection method: clinical testing. Allele origin: germline.

Breakthrough Genomics
Classification: Likely benign. Review status: criteria provided, single submitter. Criteria: ACMG Guidelines, 2015. Collection method: not provided. Allele origin: germline. Inheritance: Autosomal recessive inheritance. Affected: yes.

NM_001142864.4(PIEZO1):c.748G>A (p.Val250Ile)

Genes: HSALR1 (HSP90AB1 associated lncRNA 1; plus strand), PIEZO1 (piezo type mechanosensitive ion channel component 1 (Er blood group); minus strand). Cytogenetic location: 16q24.3.
Variant type: single nucleotide variant.
Coding change: c.748G>A on transcript NM_001142864.4 (MANE Select); coding-DNA position 748, G replaced by A.
Protein change: p.Val250Ile; replaces valine 250 with isoleucine.
Molecular consequence: missense variant. On other transcripts: non-coding transcript variant (1).
Genome position (GRCh38, 1-based): chr16:88,738,327, C>T on the plus strand (G>A on the coding strand, the complement: PIEZO1 is on the minus strand). VCF-style: chr16-88738327-C-T. GRCh37 (hg19) VCF-style: chr16-88804735-C-T.
Other names: p.Val250Ile; short protein forms V250I.
Identifiers: ClinVar variation 780320 (VCV000780320.27), dbSNP rs115486714, ClinGen allele CA8233201.